The following is an entry in ClinVar:

ClinVar aggregate classification (germline): Uncertain significance (1 of 4 stars; one submission).

Submission:

GeneDx
Classification: Uncertain significance. Last evaluated: 2025-11-03. Review status: criteria provided, single submitter. Criteria: GeneDx Variant Classification Process June 2021. Collection method: clinical testing. Allele origin: germline. Affected: yes.
Comment: Not observed at significant frequency in large population cohorts (gnomAD); In silico analysis supports a deleterious effect on splicing; In silico analysis supports that this missense variant does not alter protein structure/function; This variant is associated with the following publications: (PMID: 30978479, 27081571)

NM_181458.4(PAX3):c.1107C>G (p.Ser369Arg)

Genes: PAX3 (paired box 3; minus strand), LOC126806529 (CDK7 strongly-dependent group 2 enhancer GRCh37_chr2:223084735-223085934; plus strand). Cytogenetic location: 2q36.1.
Variant type: single nucleotide variant.
Coding change: c.1107C>G on transcript NM_181458.4 (MANE Select); coding-DNA position 1107, C replaced by G.
Protein change: p.Ser369Arg; replaces serine 369 with arginine.
Molecular consequence: missense variant.
Genome position (GRCh38, 1-based): chr2:222,220,206, G>C on the plus strand (C>G on the coding strand, the complement: PAX3 is on the minus strand). VCF-style: chr2-222220206-G-C. GRCh37 (hg19) VCF-style: chr2-223084925-G-C.
Other names: c.1104C>G, p.Ser368Arg (NM_001127366.3); c.1107C>G, p.Ser369Arg (NM_181457.4, NM_181459.4, NM_181460.4 and 1 more transcripts); short protein forms S368R, S369R.
Identifiers: ClinVar variation 2443446 (VCV002443446.2), dbSNP rs931413137, ClinGen allele CA351116084.
Genomic context (GRCh38, chr2:222,220,206, plus strand): 5'-TGAGAGGCCATTGCCAATGGTGGGGTTCATGGGGTTGGAGGGCCCCGACGGAGGCACAAA[G>C]CTGTCTGTATAGCTGGAAAATCCATGCCTGGTGCTGGGGAGGCAGTAGGCAGAGCTGCTG-3'
Protein context (NP_852123.1, residues 359-379): TRHGFSSYTD[Ser369Arg]FVPPSGPSNP